The following is an entry in ClinVar:

ClinVar aggregate classification (germline): Uncertain significance. Review status: criteria provided, single submitter (1 of 4 stars). 2 submissions from 2 submitters: Uncertain significance (1). 1 of the submissions does not count toward it. Last evaluated 2025-12-13.

Conditions:
Kabuki syndrome. Also called: Kabuki make-up syndrome; NIIKAWA-KUROKI SYNDROME. Identifiers: Orphanet 2322, MedGen C0796004, MONDO:0016512.

Submissions (2):

Labcorp Genetics (formerly Invitae), Labcorp
Classification: Uncertain significance for Kabuki syndrome. Last evaluated: 2025-12-13. Review status: criteria provided, single submitter. Criteria: Invitae Variant Classification Sherloc (09022015). Collection method: clinical testing. Allele origin: germline.
Comment: This variant, c.11223_11234del, results in the deletion of 4 amino acid(s) of the KMT2D protein (p.Gln3742_Gln3745del), but otherwise preserves the integrity of the reading frame. This variant is not present in population databases (gnomAD no frequency). This variant has not been reported in the literature in individuals affected with KMT2D-related conditions. ClinVar contains an entry for this variant (Variation ID: 591272). This variant disrupts a region of the KMT2D protein in which other variant(s) (p.Gln3744_Gln3745del) have been observed in individuals with KMT2D-related conditions (PMID: 28884922). This suggests that this is a clinically significant region of the protein, and that variants that disrupt it are likely to be disease-causing. In summary, the available evidence is currently insufficient to determine the role of this variant in disease. Therefore, it has been classified as a Variant of Uncertain Significance.

Gharavi Laboratory, Columbia University
Classification: Uncertain significance. Last evaluated: 2018-09-16. Review status: no assertion criteria provided. Criteria: ACMG Guidelines, 2015. Collection method: research. Allele origin: germline. Affected: yes. Not counted in ClinVar's aggregate classification.

Literature cited by the submitters: PubMed 28884922 (cited by Labcorp Genetics (formerly Invitae), Labcorp).

NM_003482.4(KMT2D):c.11223_11234del (p.Gln3742_Gln3745del)

Gene: KMT2D (lysine methyltransferase 2D; minus strand). Cytogenetic location: 12q13.12.
Variant type: Deletion.
Coding change: c.11223_11234del on transcript NM_003482.4 (MANE Select); coding-DNA positions 11223 to 11234, 12 bases deleted (ACAGCAGCAGCA).
Protein change: p.Gln3742_Gln3745del.
Molecular consequence: inframe deletion.
Genome position (GRCh38, 1-based): chr12:49,033,471-49,033,482, TGCTGCTGCTGT deleted on the plus strand (ACAGCAGCAGCA on the coding strand, the reverse complement: KMT2D is on the minus strand); deleting any 12 consecutive bases within chr12:49,033,471-49,033,493 gives the same sequence; the c. name uses the placement nearest the transcript's 3' end. VCF-style (leftmost placement, unchanged base first): chr12-49033470-CTGCTGCTGCTGT-C. GRCh37 (hg19) VCF-style: chr12-49427253-CTGCTGCTGCTGT-C.
Identifiers: ClinVar variation 591272 (VCV000591272.8), dbSNP rs1565778883, ClinGen allele CA891862942.